The following is an entry in ClinVar:

NM_021096.4(CACNA1I):c.1184T>A (p.Val395Asp)

Gene: CACNA1I (calcium voltage-gated channel subunit alpha1 I; plus strand). Cytogenetic location: 22q13.1.
Variant type: single nucleotide variant.
Coding change: c.1184T>A on transcript NM_021096.4 (MANE Select); coding-DNA position 1184, T replaced by A.
Protein change: p.Val395Asp; replaces valine 395 with aspartic acid.
Molecular consequence: missense variant.
Genome position (GRCh38, 1-based): chr22:39,646,603, T>A. VCF-style: chr22-39646603-T-A. GRCh37 (hg19) VCF-style: chr22-40042608-T-A.
Other names: c.1184T>A, p.Val395Asp (NM_001003406.2); c.1184T>A (NM_021096.3); short protein forms V395D.
Identifiers: ClinVar variation 1174081 (VCV001174081.2), dbSNP rs2146426462, ClinGen allele CA411640777.

ClinVar aggregate classification (germline): Uncertain significance. Review status: criteria provided, single submitter (1 of 4 stars). 2 submissions from 2 submitters: Uncertain significance (1). 1 of the submissions does not count toward it. Last evaluated 2024-07-31.

Conditions:
Global developmental delay (DD). Also called: Cognitive delay. Identifiers: MedGen C0557874, HP:0001263. Disease mechanism: loss of function.

Submissions (2):

GeneDx
Classification: Uncertain significance. Last evaluated: 2024-07-31. Review status: criteria provided, single submitter. Criteria: GeneDx Variant Classification Process June 2021. Collection method: clinical testing. Allele origin: germline. Affected: yes.
Comment: Not observed at significant frequency in large population cohorts (gnomAD); In silico analysis supports that this missense variant has a deleterious effect on protein structure/function; Has not been previously published as pathogenic or benign to our knowledge

Centre de Biologie Pathologie Génétique, Centre Hospitalier Universitaire de Lille
Classification: Likely pathogenic for Global developmental delay. Last evaluated: 2020-01-01. Review status: no assertion criteria provided. Collection method: clinical testing. Allele origin: germline. Affected: yes. Not counted in ClinVar's aggregate classification.